The following is an entry in ClinVar:

ClinVar aggregate classification (germline): Uncertain significance (1 of 4 stars; one submission).

Allele frequency attached by ClinVar (database versions not stated): TOPMed below 0.00001; gnomAD 0.00001.
gnomAD v4.1: 1 of 1,614,036 alleles (0.000062%); highest among the groups gnomAD compares: African/African-American, 0.0013%; no homozygotes.

Submission:

Labcorp Genetics (formerly Invitae), Labcorp
Classification: Uncertain significance. Last evaluated: 2023-08-14. Review status: criteria provided, single submitter. Criteria: Invitae Variant Classification Sherloc (09022015). Collection method: clinical testing. Allele origin: germline.
Comment: In summary, the available evidence is currently insufficient to determine the role of this variant in disease. Therefore, it has been classified as a Variant of Uncertain Significance. An algorithm developed to predict the effect of missense changes on protein structure and function (PolyPhen-2) suggests that this variant is likely to be disruptive. This variant has not been reported in the literature in individuals affected with CARD8-related conditions. This variant is not present in population databases (gnomAD no frequency). This sequence change replaces phenylalanine, which is neutral and non-polar, with serine, which is neutral and polar, at codon 185 of the CARD8 protein (p.Phe185Ser).

NM_001184900.3(CARD8):c.704T>C (p.Phe235Ser)

Gene: CARD8 (caspase recruitment domain family member 8; minus strand). Cytogenetic location: 19q13.33.
Variant type: single nucleotide variant.
Coding change: c.704T>C on transcript NM_001184900.3 (MANE Select); coding-DNA position 704, T replaced by C.
Protein change: p.Phe235Ser; replaces phenylalanine 235 with serine.
Molecular consequence: missense variant. On other transcripts: non-coding transcript variant (4).
Genome position (GRCh38, 1-based): chr19:48,230,845, A>G on the plus strand (T>C on the coding strand, the complement: CARD8 is on the minus strand). VCF-style: chr19-48230845-A-G. GRCh37 (hg19) VCF-style: chr19-48734102-A-G.
Other names: c.554T>C, p.Phe185Ser (NM_001184901.1, NM_001351783.2, NM_001351788.2 and 2 more transcripts); c.704T>C, p.Phe235Ser (NM_001184902.2, NM_001184903.1, NM_001351782.2); c.389T>C, p.Phe130Ser (NM_001351784.2, NM_001351787.2, NM_001351791.2 and 2 more transcripts); c.368T>C, p.Phe123Ser (NM_001351786.2); c.461T>C, p.Phe154Ser (NM_001351790.2); c.-119T>C (NM_001426741.1); short protein forms F185S, F235S, F123S, F130S, F154S.
Identifiers: ClinVar variation 2841638 (VCV002841638.3), dbSNP rs1398873512, ClinGen allele CA406644355.